The following is an entry in ClinVar:

NM_003995.4(NPR2):c.3024_3042dup (p.Phe1015delinsProArgTer)

Genes: NPR2 (natriuretic peptide receptor 2; plus strand), SPAG8 (sperm associated antigen 8; minus strand). Cytogenetic location: 9p13.3.
Variant type: Duplication.
Coding change: c.3024_3042dup on transcript NM_003995.4 (MANE Select); coding-DNA positions 3024 to 3042, 19 bases duplicated (CCTAGATGAGCTAGGATGC).
Protein change: p.Phe1015delinsProArgTer.
Molecular consequence: nonsense. On other transcripts: intron variant (2).
Genome position (GRCh38, 1-based): chr9:35,809,193-35,809,211, CCTAGATGAGCTAGGATGC duplicated; duplicating any 19 consecutive bases within chr9:35,809,186-35,809,211 gives the same sequence; the c. name uses the placement nearest the transcript's 3' end. VCF-style (leftmost placement, unchanged base first): chr9-35809185-A-AAGGATGCCCTAGATGAGCT. GRCh37 (hg19) VCF-style: chr9-35809182-A-AAGGATGCCCTAGATGAGCT.
Other names: c.3033_3051dup, p.Phe1018delinsProArgTer (NM_001378923.1); c.1201-898_1201-880dup (NM_001366760.2); c.1372+200_1372+218dup (NM_172312.2).
Identifiers: ClinVar variation 3759839 (VCV003759839.2).

ClinVar aggregate classification (germline): Uncertain significance (1 of 4 stars; one submission).

Conditions:
Acromesomelic dysplasia 1, Maroteaux type (AMD1). Also called: ST. HELENA DYSPLASIA; ACROMESOMELIC DYSPLASIA 1. Identifiers: Orphanet 40, MedGen C1864356, MONDO:0011275, OMIM 602875.
Tall stature-scoliosis-macrodactyly of the great toes syndrome. Also called: Epiphyseal chondrodysplasia, miura type. Identifiers: Orphanet 329191, MedGen C4014690, MONDO:0014401, OMIM 615923.

Submission:

Labcorp Genetics (formerly Invitae), Labcorp
Classification: Uncertain significance for Tall stature-scoliosis-macrodactyly of the great toes syndrome; Acromesomelic dysplasia 1, Maroteaux type. Last evaluated: 2024-11-19. Review status: criteria provided, single submitter. Criteria: Invitae Variant Classification Sherloc (09022015). Collection method: clinical testing. Allele origin: germline.
Comment: This sequence change creates a premature translational stop signal (p.Phe1015Profs*3) in the NPR2 gene. While this is not anticipated to result in nonsense mediated decay, it is expected to disrupt the last 33 amino acid(s) of the NPR2 protein. This variant is not present in population databases (gnomAD no frequency). This variant has not been reported in the literature in individuals affected with NPR2-related conditions. In summary, the available evidence is currently insufficient to determine the role of this variant in disease. Therefore, it has been classified as a Variant of Uncertain Significance.